The following is an entry in ClinVar:

ClinVar aggregate classification (germline): Uncertain significance. Review status: criteria provided, multiple submitters, no conflicts (2 of 4 stars). 4 submissions from 4 submitters: Uncertain significance (4). Last evaluated 2025-06-23.

Conditions:
Cobalamin C disease. Also called: Methylmalonic aciduria with homocystinuria cblC type; Cobalamin-C methylmalonic acidemia and homocystinuria; Methylmalonic acidemia and homocystinuria cblC type; Methylmalonic aciduria and homocystinuria, Vitamin B12-responsive; Vitamin B12 metabolic defect with combined deficiency of methylmalonyl-CoA mutase and homocysteine:methyltetrahydrofolate methyltransferase; methylmalonic aciduria and homocystinuria type cblC. Identifiers: Orphanet 26, Orphanet 79282, MedGen C1848561, MONDO:0010184, OMIM 277400.
Inborn genetic diseases. Identifiers: MedGen C0950123, MeSH D030342.

Allele frequency attached by ClinVar (database versions not stated): gnomAD exomes 0.00004; gnomAD 0.00005; ExAC 0.00007; TOPMed 0.00009; ESP Exome Variant Server 0.00016.
gnomAD v4.1: 76 of 1,614,046 alleles (0.0047%); highest among the groups gnomAD compares: Admixed American, 0.022%; no homozygotes.

Submissions (4):

Labcorp Genetics (formerly Invitae), Labcorp
Classification: Uncertain significance for Cobalamin C disease. Last evaluated: 2025-06-23. Review status: criteria provided, single submitter. Criteria: Invitae Variant Classification Sherloc (09022015). Collection method: clinical testing. Allele origin: germline.
Comment: This sequence change replaces arginine, which is basic and polar, with histidine, which is basic and polar, at codon 89 of the MMACHC protein (p.Arg89His). This variant is present in population databases (rs376520909, gnomAD 0.01%). This variant has not been reported in the literature in individuals affected with MMACHC-related conditions. ClinVar contains an entry for this variant (Variation ID: 2078686). Invitae Evidence Modeling of protein sequence and biophysical properties (such as structural, functional, and spatial information, amino acid conservation, physicochemical variation, residue mobility, and thermodynamic stability) has been performed for this missense variant. However, the output from this modeling did not meet the statistical confidence thresholds required to predict the impact of this variant on MMACHC protein function. In summary, the available evidence is currently insufficient to determine the role of this variant in disease. Therefore, it has been classified as a Variant of Uncertain Significance.

Fulgent Genetics
Classification: Uncertain significance for Cobalamin C disease. Last evaluated: 2024-06-15. Review status: criteria provided, single submitter. Criteria: ACMG Guidelines, 2015. Collection method: clinical testing. Allele origin: germline.

Ambry Genetics
Classification: Uncertain significance for Inborn genetic diseases. Last evaluated: 2024-02-13. Review status: criteria provided, single submitter. Criteria: Ambry Variant Classification Scheme 2023. Collection method: clinical testing. Allele origin: germline.

Genome-Nilou Lab
Classification: Uncertain significance for Cobalamin C disease. Last evaluated: 2023-04-11. Review status: criteria provided, single submitter. Criteria: ACMG Guidelines, 2015. Collection method: clinical testing. Allele origin: germline. Affected: no.

NM_015506.3(MMACHC):c.266G>A (p.Arg89His)

Gene: MMACHC (metabolism of cobalamin associated C; plus strand). Cytogenetic location: 1p34.1.
Variant type: single nucleotide variant.
Coding change: c.266G>A on transcript NM_015506.3 (MANE Select); coding-DNA position 266, G replaced by A.
Protein change: p.Arg89His; replaces arginine 89 with histidine.
Molecular consequence: missense variant.
Genome position (GRCh38, 1-based): chr1:45,507,540, G>A. VCF-style: chr1-45507540-G-A. GRCh37 (hg19) VCF-style: chr1-45973212-G-A.
Other names: c.95G>A, p.Arg32His (NM_001330540.2); short protein forms R89H, R32H.
Identifiers: ClinVar variation 2078686 (VCV002078686.4), dbSNP rs376520909, ClinGen allele CA827673.